The following is an entry in ClinVar:

NM_173354.5(SIK1):c.1076C>G (p.Ala359Gly)

Gene: SIK1 (salt inducible kinase 1; minus strand). Cytogenetic location: 21q22.3.
Variant type: single nucleotide variant.
Coding change: c.1076C>G on transcript NM_173354.5 (MANE Select); coding-DNA position 1076, C replaced by G.
Protein change: p.Ala359Gly; replaces alanine 359 with glycine.
Molecular consequence: missense variant.
Genome position (GRCh38, 1-based): chr21:43,419,902, G>C on the plus strand (C>G on the coding strand, the complement: SIK1 is on the minus strand). VCF-style: chr21-43419902-G-C. GRCh37 (hg19) VCF-style: chr21-44839782-G-C.
Other names: short protein forms A359G.
Identifiers: ClinVar variation 1386733 (VCV001386733.6), dbSNP rs748034105, ClinGen allele CA321326488.

ClinVar aggregate classification (germline): Uncertain significance (1 of 4 stars; one submission).

Conditions:
Developmental and epileptic encephalopathy, 30 (DEE30). Also called: Epileptic encephalopathy, early infantile, 30. Identifiers: MedGen C4225360, MONDO:0014595, OMIM 616341.

Allele frequency attached by ClinVar (database versions not stated): ExAC 0.00002.

Submission:

Labcorp Genetics (formerly Invitae), Labcorp
Classification: Uncertain significance for Developmental and epileptic encephalopathy, 30. Last evaluated: 2022-08-15. Review status: criteria provided, single submitter. Criteria: Invitae Variant Classification Sherloc (09022015). Collection method: clinical testing. Allele origin: germline.
Comment: In summary, the available evidence is currently insufficient to determine the role of this variant in disease. Therefore, it has been classified as a Variant of Uncertain Significance. Advanced modeling of protein sequence and biophysical properties (such as structural, functional, and spatial information, amino acid conservation, physicochemical variation, residue mobility, and thermodynamic stability) performed at Invitae indicates that this missense variant is not expected to disrupt SIK1 protein function. ClinVar contains an entry for this variant (Variation ID: 1386733). This variant has not been reported in the literature in individuals affected with SIK1-related conditions. The frequency data for this variant in the population databases is considered unreliable, as metrics indicate poor data quality at this position in the gnomAD database. This sequence change replaces alanine, which is neutral and non-polar, with glycine, which is neutral and non-polar, at codon 359 of the SIK1 protein (p.Ala359Gly).